The following is an entry in ClinVar:

NM_000038.6(APC):c.5591C>G (p.Ser1864Cys)

Gene: APC (APC regulator of Wnt signaling pathway; plus strand). Cytogenetic location: 5q22.2.
Variant type: single nucleotide variant.
Coding change: c.5591C>G on transcript NM_000038.6 (MANE Select); coding-DNA position 5591, C replaced by G.
Protein change: p.Ser1864Cys; replaces serine 1864 with cysteine.
Molecular consequence: missense variant.
Genome position (GRCh38, 1-based): chr5:112,841,185, C>G. VCF-style: chr5-112841185-C-G. GRCh37 (hg19) VCF-style: chr5-112176882-C-G.
Other names: c.5213C>G, p.Ser1738Cys (NM_001354904.2); c.4742C>G, p.Ser1581Cys (NM_001354906.2); c.5111C>G, p.Ser1704Cys (NM_001354905.2); c.5591C>G, p.Ser1864Cys (NM_001127510.3, NM_001354895.2); c.5537C>G, p.Ser1846Cys (NM_001127511.3); c.5645C>G, p.Ser1882Cys (NM_001354896.2); c.5621C>G, p.Ser1874Cys (NM_001354897.2); c.5516C>G, p.Ser1839Cys (NM_001354898.2); and 5 more; short protein forms S1581C, S1846C, S1738C, S1805C, S1823C, S1839C, S1864C, S1763C.
Identifiers: ClinVar variation 923743 (VCV000923743.7), dbSNP rs1359257049, ClinGen allele CA16033568.

ClinVar aggregate classification (germline): Uncertain significance. Review status: criteria provided, multiple submitters, no conflicts (2 of 4 stars). 3 submissions from 3 submitters: Uncertain significance (3). Last evaluated 2025-08-25.

Conditions:
Hereditary cancer-predisposing syndrome. Also called: Neoplastic Syndromes, Hereditary; Tumor predisposition; Hereditary Cancer Syndrome; Hereditary neoplastic syndrome. Identifiers: Orphanet 140162, MedGen C0027672, MeSH D009386, MONDO:0015356.
Familial adenomatous polyposis 1 (FAP1). Also called: FAMILIAL ADENOMATOUS POLYPOSIS 1, ATTENUATED; POLYPOSIS, ADENOMATOUS INTESTINAL. Identifiers: MedGen C2713442, MONDO:0021056, OMIM 175100. Disease mechanism: loss of function.

Submissions (3):

Ambry Genetics
Classification: Uncertain significance for Hereditary cancer-predisposing syndrome. Last evaluated: 2025-08-25. Review status: criteria provided, single submitter. Criteria: Ambry Variant Classification Scheme 2023. Collection method: clinical testing. Allele origin: germline.
Comment: The p.S1864C variant (also known as c.5591C>G), located in coding exon 15 of the APC gene, results from a C to G substitution at nucleotide position 5591. The serine at codon 1864 is replaced by cysteine, an amino acid with dissimilar properties. This amino acid position is conserved. In addition, in silico predictors for this gene do not accurately predict pathogenicity. Based on the available evidence, the clinical significance of this variant remains unclear.

Labcorp Genetics (formerly Invitae), Labcorp
Classification: Uncertain significance for Familial adenomatous polyposis 1. Last evaluated: 2024-07-30. Review status: criteria provided, single submitter. Criteria: Invitae Variant Classification Sherloc (09022015). Collection method: clinical testing. Allele origin: germline.
Comment: This sequence change replaces serine, which is neutral and polar, with cysteine, which is neutral and slightly polar, at codon 1864 of the APC protein (p.Ser1864Cys). This variant is not present in population databases (gnomAD no frequency). This variant has not been reported in the literature in individuals affected with APC-related conditions. ClinVar contains an entry for this variant (Variation ID: 923743). Advanced modeling of protein sequence and biophysical properties (such as structural, functional, and spatial information, amino acid conservation, physicochemical variation, residue mobility, and thermodynamic stability) performed at Invitae indicates that this missense variant is not expected to disrupt APC protein function with a negative predictive value of 95%. In summary, the available evidence is currently insufficient to determine the role of this variant in disease. Therefore, it has been classified as a Variant of Uncertain Significance.

Color Diagnostics, LLC DBA Color Health
Classification: Uncertain significance for Hereditary cancer-predisposing syndrome. Last evaluated: 2024-03-06. Review status: criteria provided, single submitter. Criteria: ACMG Guidelines, 2015. Collection method: clinical testing. Allele origin: germline.
Comment: This missense variant replaces serine with cysteine at codon 1864 of the APC protein. Computational prediction tool is inconclusive regarding the impact of this variant on protein structure and function (internally defined REVEL score threshold 0.5 < inconclusive < 0.7, PMID: 27666373). Splice site prediction tools suggest that this variant may not impact RNA splicing. To our knowledge, functional studies have not been performed for this variant. This variant has not been reported in individuals affected with hereditary cancer in the literature. This variant has not been identified in the general population by the Genome Aggregation Database (gnomAD). The available evidence is insufficient to determine the role of this variant in disease conclusively. Therefore, this variant is classified as a Variant of Uncertain Significance.